The following is an entry in ClinVar:

ClinVar aggregate classification (germline): Pathogenic (1 of 4 stars; one submission).

Conditions:
Senior-Loken syndrome 8 (SLSN8). Identifiers: Orphanet 3156, MedGen C4225376, MONDO:0014579, OMIM 616307.
Asphyxiating thoracic dystrophy 5 (SRTD5). Also called: SHORT-RIB THORACIC DYSPLASIA 5 WITH OR WITHOUT POLYDACTYLY; SHORT-RIB THORACIC DYSPLASIA 5 WITHOUT POLYDACTYLY. Identifiers: Orphanet 474, MedGen C3280598, MONDO:0013717, OMIM 614376.

Submission:

Labcorp Genetics (formerly Invitae), Labcorp
Classification: Pathogenic for Senior-Loken syndrome 8; Asphyxiating thoracic dystrophy 5. Last evaluated: 2025-06-10. Review status: criteria provided, single submitter. Criteria: Invitae Variant Classification Sherloc (09022015). Collection method: clinical testing. Allele origin: germline.
Comment: This sequence change creates a premature translational stop signal (p.Gln498*) in the WDR19 gene. It is expected to result in an absent or disrupted protein product. Loss-of-function variants in WDR19 are known to be pathogenic (PMID: 22019273, 23559409, 23683095, 26275793, 27241786, 29068549). This variant is not present in population databases (gnomAD no frequency). This variant has not been reported in the literature in individuals affected with WDR19-related conditions. For these reasons, this variant has been classified as Pathogenic.

Literature cited by the submitters: PubMed 22019273; PubMed 23559409; PubMed 23683095; PubMed 26275793; PubMed 27241786; PubMed 29068549.

NM_025132.4(WDR19):c.1492C>T (p.Gln498Ter)

Gene: WDR19 (WD repeat domain 19; plus strand). Cytogenetic location: 4p14.
Variant type: single nucleotide variant.
Coding change: c.1492C>T on transcript NM_025132.4 (MANE Select); coding-DNA position 1492, C replaced by T.
Protein change: p.Gln498Ter; replaces glutamine 498 with a stop codon.
Molecular consequence: nonsense.
Genome position (GRCh38, 1-based): chr4:39,224,896, C>T. VCF-style: chr4-39224896-C-T. GRCh37 (hg19) VCF-style: chr4-39226516-C-T.
Other names: c.1012C>T, p.Gln338Ter (NM_001317924.2); short protein forms Q338*, Q498*.
Identifiers: ClinVar variation 4793039 (VCV004793039.1).